The following is an entry in ClinVar:

NC_000006.11:g.(?_64708948)_(64709096_?)dup

Gene: EYS (eyes shut homolog; minus strand). Cytogenetic location: 6q12.
Variant type: Duplication.
Identifiers: ClinVar variation 3246134 (VCV003246134.1).

ClinVar aggregate classification (germline): Likely pathogenic (1 of 4 stars; one submission).

Submission:

Labcorp Genetics (formerly Invitae), Labcorp
Classification: Likely pathogenic. Last evaluated: 2024-01-11. Review status: criteria provided, single submitter. Criteria: Invitae Variant Classification Sherloc (09022015). Collection method: clinical testing. Allele origin: unknown.
Comment: This variant results in a copy number gain of the genomic region encompassing exon(s) 34 of the EYS gene. While the exact position of this variant cannot be determined from the data, sub-genic copy number gains are generally in tandem (PMID: 25640679). This variant is predicted to be out-of-frame, and may result in an absent or disrupted protein product. Loss-of-function variants in EYS are known to be pathogenic (PMID: 18836446, 20333770). This variant has not been reported in the literature in individuals affected with EYS-related conditions. In summary, the currently available evidence indicates that the variant is pathogenic, but additional data are needed to prove that conclusively. Therefore, this variant has been classified as Likely Pathogenic.

Literature cited by the submitters: PubMed 25640679; PubMed 18836446; PubMed 20333770.